The following is an entry in ClinVar:

NM_001040716.2(PC):c.200_201del (p.Tyr67fs)

Gene: PC (pyruvate carboxylase; minus strand). Cytogenetic location: 11q13.2.
Variant type: Deletion.
Coding change: c.200_201del on transcript NM_001040716.2 (MANE Select); coding-DNA positions 200 to 201, 2 bases deleted (AC; older notation c.200_201delAC).
Protein change: p.Tyr67fs; shifts the reading frame from tyrosine 67.
Molecular consequence: frameshift variant.
Genome position (GRCh38, 1-based): chr11:66,871,807-66,871,808, GT deleted on the plus strand (AC on the coding strand, the reverse complement: PC is on the minus strand). VCF-style (leftmost placement, unchanged base first): chr11-66871806-AGT-A. GRCh37 (hg19) VCF-style: chr11-66639277-AGT-A.
Other names: c.200_201del, p.Tyr67fs (NM_000920.4, NM_022172.3); short protein forms Y67fs.
Identifiers: ClinVar variation 1725946 (VCV001725946.2), dbSNP rs2495799854, ClinGen allele CA2580084602.

ClinVar aggregate classification (germline): Likely pathogenic (1 of 4 stars; one submission).

Conditions:
Pyruvate carboxylase deficiency. Also called: ATAXIA WITH LACTIC ACIDOSIS II; LEIGH NECROTIZING ENCEPHALOPATHY DUE TO PYRUVATE CARBOXYLASE DEFICIENCY; LEIGH SYNDROME DUE TO PYRUVATE CARBOXYLASE DEFICIENCY; PC DEFICIENCY; Pyruvate Carboxylase Deficiency Disease. Identifiers: Orphanet 3008, MedGen C0034341, MONDO:0009949, OMIM 266150.

Submission:

Myriad Genetics, Inc.
Classification: Likely pathogenic for Pyruvate carboxylase deficiency. Last evaluated: 2022-04-23. Review status: criteria provided, single submitter. Criteria: Myriad Women's Health Autosomal Recessive and X-Linked Classification Criteria (2021). Collection method: clinical testing. Allele origin: unknown.
Comment: NM_000920.3(PC):c.200_201delAC(Y67Ffs*2) is expected to be pathogenic in the context of pyruvate carboxylase deficiency. This variant is predicted to lead to an abnormal or absent protein product due to the creation of a premature termination codon in PC, a gene where loss-of-function variants are known to be pathogenic. Please note: this variant was assessed in the context of healthy population screening.